The following is an entry in ClinVar:

ClinVar aggregate classification (germline): Pathogenic (1 of 4 stars; one submission).

Conditions:
Aarskog syndrome (AAS). Also called: FGDY; Aarskog Scott syndrome; Aarskog disease; Aarskog-Scott syndrome, X-linked; FGD1-Related Faciogenital Dysplasia (Aarskog-Scott Syndrome). Identifiers: Orphanet 915, MedGen C0175701, MONDO:0010589, OMIM 305400.

Submission:

Gansu Provincial Maternity and Child Care Hospital
Classification: Pathogenic for Aarskog syndrome. Last evaluated: 2026-06-02. Review status: criteria provided, single submitter. Criteria: ACMG Guidelines, 2015. Collection method: clinical testing. Allele origin: de novo. Inheritance: X-linked recessive inheritance. Affected: yes.
Comment: The c.2593_c.2606delins variant is a frameshift variant that leads to premature termination of translation (PVS1). Parental verification confirmed it as a de novo variant (PS2). This site is not recorded in the gnomAD database (PM2_supporting).This variant is classified as Pathogenic.

NM_004463.3(FGD1):c.2594_2607del (p.Gln865fs)

Genes: TSR2 (TSR2 ribosome maturation factor; plus strand), FGD1 (FYVE, RhoGEF and PH domain containing 1; minus strand). Cytogenetic location: Xp11.22.
Variant type: Deletion.
Coding change: c.2594_2607del on transcript NM_004463.3 (MANE Select); coding-DNA positions 2594 to 2607, 14 bases deleted (AGCGCAGCCTGCCC).
Protein change: p.Gln865fs; shifts the reading frame from glutamine 865.
Molecular consequence: frameshift variant. On other transcripts: 3 prime UTR variant (5).
Genome position (GRCh38, 1-based): chrX:54,446,388-54,446,401, GGGCAGGCTGCGCT deleted on the plus strand (AGCGCAGCCTGCCC on the coding strand, the reverse complement: FGD1 is on the minus strand); deleting any 14 consecutive bases within chrX:54,446,388-54,446,405 gives the same sequence; the c. name uses the placement nearest the transcript's 3' end. VCF-style (leftmost placement, unchanged base first): chrX-54446387-GGGGCAGGCTGCGCT-G. GRCh37 (hg19) VCF-style: chrX-54472820-GGGGCAGGCTGCGCT-G.
Other names: c.*1842_*1855del (NM_001346789.2, NM_001346790.2, NM_001346791.2 and 2 more transcripts); c.2593_2606del (NM_004463.3); short protein forms Q865fs.
Identifiers: ClinVar variation 4880245 (VCV004880245.1).